The following is an entry in ClinVar:

ClinVar aggregate classification (germline): Benign. Review status: criteria provided, multiple submitters, no conflicts (2 of 4 stars). 15 submissions from 13 submitters: Benign (10). 5 of the submissions do not count toward it. Last evaluated 2026-02-04.

Conditions:
Alzheimer disease 4 (AD4). Identifiers: Orphanet 1020, MedGen C1847200, MONDO:0011743, OMIM 606889.
Dilated cardiomyopathy 1V (CMD1V). Identifiers: Orphanet 154, MedGen C3150958, MONDO:0013373, OMIM 613697.

Allele frequency attached by ClinVar (database versions not stated): 1000 Genomes Project 0.44329; 1000 Genomes Project 30x 0.44425; TOPMed 0.48282; gnomAD 0.48458 and 0.48653; ESP Exome Variant Server 0.49016; ExAC 0.49907; gnomAD exomes 0.50244 and 0.51416.

Submissions (16):

Labcorp Genetics (formerly Invitae), Labcorp
Classification: Benign for Alzheimer disease 4. Last evaluated: 2026-02-04. Review status: criteria provided, single submitter. Criteria: Invitae Variant Classification Sherloc (09022015). Collection method: clinical testing. Allele origin: germline.

Mayo Clinic Laboratories, Mayo Clinic
Classification: Benign. Last evaluated: 2022-03-24. Review status: criteria provided, single submitter. Criteria: ACMG Guidelines, 2015. Collection method: clinical testing. Allele origin: germline. Observed: 797 variant alleles.

Genome-Nilou Lab
Classification: Benign for Alzheimer disease 4. Last evaluated: 2021-10-25. Review status: criteria provided, single submitter. Criteria: ACMG Guidelines, 2015. Collection method: clinical testing. Allele origin: germline. Affected: no.

Genome-Nilou Lab
Classification: Benign for Dilated cardiomyopathy 1V. Last evaluated: 2021-10-25. Review status: criteria provided, single submitter. Criteria: ACMG Guidelines, 2015. Collection method: clinical testing. Allele origin: germline. Affected: no.

GeneDx
Classification: Benign. Last evaluated: 2018-09-18. Review status: criteria provided, single submitter. Criteria: GeneDx Variant Classification Process June 2021. Collection method: clinical testing. Allele origin: germline. Affected: yes.

Illumina Laboratory Services, Illumina
Classification: Benign for Alzheimer disease 4. Last evaluated: 2018-01-13. Review status: criteria provided, single submitter. Criteria: ICSL Variant Classification Criteria 13 December 2019. Collection method: clinical testing. Allele origin: germline.
Comment: This variant was observed in the ICSL laboratory as part of a predisposition screen in an ostensibly healthy population. It had not been previously curated by ICSL or reported in the Human Gene Mutation Database (HGMD: prior to June 1st, 2018), and was therefore a candidate for classification through an automated scoring system. Utilizing variant allele frequency, disease prevalence and penetrance estimates, and inheritance mode, an automated score was calculated to assess if this variant is too frequent to cause the disease. Based on the score and internal cut-off values, a variant classified as benign is not then subjected to further curation. The score for this variant resulted in a classification of benign for this disease.

Illumina Laboratory Services, Illumina
Classification: Benign for Dilated cardiomyopathy 1V. Last evaluated: 2018-01-13. Review status: criteria provided, single submitter. Criteria: ICSL Variant Classification Criteria 13 December 2019. Collection method: clinical testing. Allele origin: germline.
Comment: the same text as in the submission from Illumina Laboratory Services, Illumina above.

Athena Diagnostics
Classification: Benign for Alzheimer disease 4. Last evaluated: 2017-04-25. Review status: criteria provided, single submitter. Criteria: Athena Diagnostics Criteria. Collection method: clinical testing. Allele origin: germline.

Breakthrough Genomics
Classification: Benign. Review status: criteria provided, single submitter. Criteria: ACMG Guidelines, 2015. Collection method: not provided. Allele origin: germline. Inheritance: Autosomal dominant inheritance. Affected: yes.

PreventionGenetics, part of Exact Sciences
Classification: Benign. Review status: criteria provided, single submitter. Criteria: ACMG Guidelines, 2015. Collection method: clinical testing. Allele origin: germline.

Clinical Genetics DNA and cytogenetics Diagnostics Lab, Erasmus MC, Erasmus Medical Center
Classification: Benign. Review status: no assertion criteria provided. Collection method: clinical testing. Allele origin: germline. Affected: yes. Study: VKGL Data-share Consensus. Not counted in ClinVar's aggregate classification.

Clinical Genetics, Academic Medical Center
Classification: Benign. Review status: no assertion criteria provided. Collection method: clinical testing. Allele origin: germline. Affected: yes. Study: VKGL Data-share Consensus. Not counted in ClinVar's aggregate classification.

Diagnostic Laboratory, Department of Genetics, University Medical Center Groningen
Classification: Benign. Review status: no assertion criteria provided. Collection method: clinical testing. Allele origin: germline. Affected: yes. Study: VKGL Data-share Consensus. Not counted in ClinVar's aggregate classification.

Dr. Peter K. Rogan Lab, Western University
No classification provided (evidence only). Condition: Familial cancer of breast. Review status: no classification provided. Collection method: in vitro. Allele origin: not applicable. Functional consequence: retained intron. Not counted in ClinVar's aggregate classification.

Genome Diagnostics Laboratory, Amsterdam University Medical Center
Classification: Benign. Review status: no assertion criteria provided. Collection method: clinical testing. Allele origin: germline. Affected: yes. Study: VKGL Data-share Consensus. Not counted in ClinVar's aggregate classification.

Joint Genome Diagnostic Labs from Nijmegen and Maastricht, Radboudumc and MUMC+
Classification: Benign. Review status: no assertion criteria provided. Collection method: clinical testing. Allele origin: germline. Affected: yes. Study: VKGL Data-share Consensus. Not counted in ClinVar's aggregate classification.

NM_000447.3(PSEN2):c.261C>T (p.His87=)

Gene: PSEN2 (presenilin 2; plus strand). Cytogenetic location: 1q42.13.
Variant type: single nucleotide variant.
Coding change: c.261C>T on transcript NM_000447.3 (MANE Select); coding-DNA position 261, C replaced by T.
Protein change: p.His87=; no amino-acid change (histidine 87 retained).
Molecular consequence: synonymous variant.
Genome position (GRCh38, 1-based): chr1:226,883,824, C>T. VCF-style: chr1-226883824-C-T. GRCh37 (hg19) VCF-style: chr1-227071525-C-T.
Other names: p.His87=; c.261C>T, p.His87= (NM_012486.3).
Identifiers: ClinVar variation 256181 (VCV000256181.29), dbSNP rs1046240, ClinGen allele CA1424451.
Genomic context (GRCh38, chr1:226,883,824, plus strand): 5'-GGTTCCCGGGCGGCCGCCAGGCCTGGAGGAAGAGCTGACCCTCAAATACGGAGCGAAGCA[C>T]GTGATCATGCTGTTTGTGCCTGTCACTCTGTGCATGATCGTGGTGGTAGCCACCATCAAG-3'
Protein context (NP_000438.2, residues 77-97): EELTLKYGAK[His87=]VIMLFVPVTL